The following is an entry in ClinVar:

ClinVar aggregate classification (germline): Uncertain significance. Review status: criteria provided, multiple submitters, no conflicts (2 of 4 stars). 2 submissions from 2 submitters: Uncertain significance (2). Last evaluated 2025-05-18.

Conditions:
Hypertrophic cardiomyopathy. Also called: HYPERTROPHIC MYOCARDIOPATHY. Identifiers: Orphanet 217569, MedGen C0007194, MeSH D002312, MONDO:0005045, HP:0001639.

Submissions (2):

Labcorp Genetics (formerly Invitae), Labcorp
Classification: Uncertain significance for Hypertrophic cardiomyopathy. Last evaluated: 2025-05-18. Review status: criteria provided, single submitter. Criteria: Invitae Variant Classification Sherloc (09022015). Collection method: clinical testing. Allele origin: germline.
Comment: This sequence change replaces alanine, which is neutral and non-polar, with proline, which is neutral and non-polar, at codon 87 of the MYOM1 protein (p.Ala87Pro). This variant is not present in population databases (gnomAD no frequency). This variant has not been reported in the literature in individuals affected with MYOM1-related conditions. ClinVar contains an entry for this variant (Variation ID: 3877129). An algorithm developed to predict the effect of missense changes on protein structure and function (PolyPhen-2) suggests that this variant is likely to be disruptive. In summary, the available evidence is currently insufficient to determine the role of this variant in disease. Therefore, it has been classified as a Variant of Uncertain Significance.

Ambry Genetics
Classification: Uncertain significance. Last evaluated: 2025-02-15. Review status: criteria provided, single submitter. Criteria: Ambry Variant Classification Scheme 2023. Collection method: clinical testing. Allele origin: germline.
Comment: The p.A87P variant (also known as c.259G>C), located in coding exon 1 of the MYOM1 gene, results from a G to C substitution at nucleotide position 259. The alanine at codon 87 is replaced by proline, an amino acid with highly similar properties. This amino acid position is conserved. In addition, this alteration is predicted to be tolerated by in silico analysis. Based on the available evidence, the clinical significance of this variant remains unclear.

NM_003803.4(MYOM1):c.259G>C (p.Ala87Pro)

Gene: MYOM1 (myomesin 1; minus strand). Cytogenetic location: 18p11.31.
Variant type: single nucleotide variant.
Coding change: c.259G>C on transcript NM_003803.4 (MANE Select); coding-DNA position 259, G replaced by C.
Protein change: p.Ala87Pro; replaces alanine 87 with proline.
Molecular consequence: missense variant.
Genome position (GRCh38, 1-based): chr18:3,214,965, C>G on the plus strand (G>C on the coding strand, the complement: MYOM1 is on the minus strand). VCF-style: chr18-3214965-C-G. GRCh37 (hg19) VCF-style: chr18-3214963-C-G.
Other names: c.259G>C, p.Ala87Pro (NM_019856.2); short protein forms A87P.
Identifiers: ClinVar variation 3877129 (VCV003877129.2).